The following is an entry in ClinVar:

ClinVar aggregate classification (germline): Conflicting classifications of pathogenicity. Review status: criteria provided, conflicting classifications (1 of 4 stars). 2 submissions from 2 submitters: Uncertain significance (1); Likely benign (1). Last evaluated 2026-01-05.

Conditions:
Inborn genetic diseases. Identifiers: MedGen C0950123, MeSH D030342.

Allele frequency attached by ClinVar (database versions not stated): gnomAD 0.00001; gnomAD exomes 0.00001; TOPMed below 0.00001.

Submissions (2):

Labcorp Genetics (formerly Invitae), Labcorp
Classification: Likely benign. Last evaluated: 2026-01-05. Review status: criteria provided, single submitter. Criteria: Invitae Variant Classification Sherloc (09022015). Collection method: clinical testing. Allele origin: germline.

Ambry Genetics
Classification: Uncertain significance for Inborn genetic diseases. Last evaluated: 2018-10-12. Review status: criteria provided, single submitter. Criteria: Ambry Variant Classification Scheme 2023. Collection method: clinical testing. Allele origin: germline.
Comment: The p.R1895H variant (also known as c.5684G>A), located in coding exon 31 of the CHD8 gene, results from a G to A substitution at nucleotide position 5684. The arginine at codon 1895 is replaced by histidine, an amino acid with highly similar properties. This amino acid position is highly conserved in available vertebrate species. In addition, the in silico prediction for this alteration is inconclusive. Since supporting evidence is limited at this time, the clinical significance of this alteration remains unclear.

NM_001170629.2(CHD8):c.5684G>A (p.Arg1895His)

Gene: CHD8 (chromodomain helicase DNA binding protein 8; minus strand). Cytogenetic location: 14q11.2.
Variant type: single nucleotide variant.
Coding change: c.5684G>A on transcript NM_001170629.2 (MANE Select); coding-DNA position 5684, G replaced by A.
Protein change: p.Arg1895His; replaces arginine 1895 with histidine.
Molecular consequence: missense variant.
Genome position (GRCh38, 1-based): chr14:21,394,111, C>T on the plus strand (G>A on the coding strand, the complement: CHD8 is on the minus strand). VCF-style: chr14-21394111-C-T. GRCh37 (hg19) VCF-style: chr14-21862270-C-T.
Other names: c.4847G>A, p.Arg1616His (NM_020920.4); short protein forms R1895H, R1616H.
Identifiers: ClinVar variation 1749047 (VCV001749047.7), dbSNP rs1408226614, ClinGen allele CA388882191.